The following is an entry in ClinVar:

NM_178554.6(KY):c.1808G>A (p.Gly603Asp)

Genes: CEP63 (centrosomal protein 63; plus strand), KY (kyphoscoliosis peptidase; minus strand). Cytogenetic location: 3q22.2.
Variant type: single nucleotide variant.
Coding change: c.1808G>A on transcript NM_178554.6 (MANE Select); coding-DNA position 1808, G replaced by A.
Protein change: p.Gly603Asp; replaces glycine 603 with aspartic acid.
Molecular consequence: missense variant.
Genome position (GRCh38, 1-based): chr3:134,603,757, C>T on the plus strand (G>A on the coding strand, the complement: KY is on the minus strand). VCF-style: chr3-134603757-C-T. GRCh37 (hg19) VCF-style: chr3-134322599-C-T.
Other names: c.1760G>A, p.Gly587Asp (NM_001350859.2); c.1745G>A, p.Gly582Asp (NM_001366276.1); short protein forms G582D, G603D, G587D.
Identifiers: ClinVar variation 3731149 (VCV003731149.1).

ClinVar aggregate classification (germline): Uncertain significance (1 of 4 stars; one submission).

gnomAD v4.1: 12 of 1,612,296 alleles (0.00074%); highest among the groups gnomAD compares: Non-Finnish European, 0.001%; no homozygotes.

Submission:

GeneDx
Classification: Uncertain significance. Last evaluated: 2024-08-15. Review status: criteria provided, single submitter. Criteria: GeneDx Variant Classification Process June 2021. Collection method: clinical testing. Allele origin: germline. Affected: yes.
Comment: Not observed at significant frequency in large population cohorts (gnomAD); In silico analysis indicates that this missense variant does not alter protein structure/function; Has not been previously published as pathogenic or benign to our knowledge